The following is an entry in ClinVar:

NM_201384.3(PLEC):c.11288C>T (p.Ser3763Leu)

Gene: PLEC (plectin; minus strand). Cytogenetic location: 8q24.3.
Variant type: single nucleotide variant.
Coding change: c.11288C>T on transcript NM_201384.3 (MANE Select); coding-DNA position 11288, C replaced by T.
Protein change: p.Ser3763Leu; replaces serine 3763 with leucine.
Molecular consequence: missense variant.
Genome position (GRCh38, 1-based): chr8:143,918,533, G>A on the plus strand (C>T on the coding strand, the complement: PLEC is on the minus strand). VCF-style: chr8-143918533-G-A. GRCh37 (hg19) VCF-style: chr8-144992701-G-A.
Other names: c.11369C>T, p.Ser3790Leu (NM_000445.5); c.11246C>T, p.Ser3749Leu (NM_201378.4); c.11222C>T, p.Ser3741Leu (NM_201379.3); c.11699C>T, p.Ser3900Leu (NM_201380.4); c.11192C>T, p.Ser3731Leu (NM_201381.3); c.11288C>T, p.Ser3763Leu (NM_201382.4); c.11300C>T, p.Ser3767Leu (NM_201383.3); short protein forms S3731L, S3741L, S3749L, S3763L, S3767L, S3790L, S3900L.
Identifiers: ClinVar variation 383828 (VCV000383828.15), dbSNP rs377598440, ClinGen allele CA4924391.

ClinVar aggregate classification (germline): Conflicting classifications of pathogenicity. Review status: criteria provided, conflicting classifications (1 of 4 stars). 5 submissions from 5 submitters: Uncertain significance (4); Likely benign (1). Last evaluated 2026-06-03.

Conditions:
PLEC-related disorder. Also called: PLEC-related disorders; PLEC-related condition.
Autosomal recessive limb-girdle muscular dystrophy type 2Q (LGMDR17). Also called: MUSCULAR DYSTROPHY, LIMB-GIRDLE, AUTOSOMAL RECESSIVE 17. Identifiers: Orphanet 254361, MedGen C3150989, MONDO:0013390, OMIM 613723.
Epidermolysis bullosa simplex 5B, with muscular dystrophy (EBS5B). Also called: EPIDERMOLYSIS BULLOSA SIMPLEX AND LIMB-GIRDLE MUSCULAR DYSTROPHY; Epidermolysis bullosa simplex with muscular dystrophy. Identifiers: Orphanet 257, MedGen C2931072, MONDO:0009181, OMIM 226670.
Epidermolysis bullosa simplex with nail dystrophy (EBS5D). Identifiers: MedGen C4225309, MONDO:0014661, OMIM 616487.
Epidermolysis bullosa simplex, Ogna type (EBS5A). Also called: Pidermolysis bullosa simplex 5A, Ogna type; EPIDERMOLYSIS BULLOSA SIMPLEX 5A, OGNA TYPE. Identifiers: Orphanet 79401, MedGen C0432317, MONDO:0007555, OMIM 131950.
Epidermolysis bullosa simplex 5C, with pyloric atresia (EBS5C). Also called: PLEC1-Related Epidermolysis Bullosa with Pyloric Atresia; PLEC-Related Epidermolysis Bullosa with Pyloric Atresia; Epidermolysis bullosa simplex with pyloric atresia. Identifiers: Orphanet 158684, MedGen C2677349, MONDO:0012807, OMIM 612138.
Inborn genetic diseases. Identifiers: MedGen C0950123, MeSH D030342.

Allele frequency attached by ClinVar (database versions not stated): TOPMed 0.00007; ExAC 0.00008; gnomAD exomes 0.00009; ESP Exome Variant Server 0.00017.
gnomAD v4.1: 69 of 1,609,348 alleles (0.0043%); highest among the groups gnomAD compares: Admixed American, 0.022%; no homozygotes.

Submissions (5):

PreventionGenetics, part of Exact Sciences
Classification: Uncertain significance for PLEC-related condition. Last evaluated: 2026-06-03. Review status: criteria provided, single submitter. Criteria: ACMG Guidelines, 2015. Collection method: clinical testing. Allele origin: germline.
Comment: The PLEC c.11369C>T variant is predicted to result in the amino acid substitution p.Ser3790Leu. To our knowledge, this variant has not been reported in the literature. This variant is reported in 0.062% of alleles in individuals of Ashkenazi Jewish descent in gnomAD. Although we suspect that this variant may be benign, at this time, the clinical significance of this variant is uncertain due to the absence of conclusive functional and genetic evidence.

Labcorp Genetics (formerly Invitae), Labcorp
Classification: Uncertain significance for Autosomal recessive limb-girdle muscular dystrophy type 2Q; Epidermolysis bullosa simplex, Ogna type; Epidermolysis bullosa simplex with nail dystrophy; Epidermolysis bullosa simplex 5C, with pyloric atresia; Epidermolysis bullosa simplex 5B, with muscular dystrophy. Last evaluated: 2025-12-22. Review status: criteria provided, single submitter. Criteria: Invitae Variant Classification Sherloc (09022015). Collection method: clinical testing. Allele origin: germline.
Comment: This sequence change replaces serine, which is neutral and polar, with leucine, which is neutral and non-polar, at codon 3790 of the PLEC protein (p.Ser3790Leu). This variant is present in population databases (rs377598440, gnomAD 0.07%). This variant has not been reported in the literature in individuals affected with PLEC-related conditions. ClinVar contains an entry for this variant (Variation ID: 383828). An algorithm developed to predict the effect of missense changes on protein structure and function (PolyPhen-2) suggests that this variant is likely to be disruptive. In summary, the available evidence is currently insufficient to determine the role of this variant in disease. Therefore, it has been classified as a Variant of Uncertain Significance.

Ambry Genetics
Classification: Uncertain significance for Inborn genetic diseases. Last evaluated: 2023-05-26. Review status: criteria provided, single submitter. Criteria: Ambry Variant Classification Scheme 2023. Collection method: clinical testing. Allele origin: germline.

Revvity Omics, Revvity
Classification: Uncertain significance. Last evaluated: 2023-03-15. Review status: criteria provided, single submitter. Criteria: ACMG Guidelines, 2015. Collection method: clinical testing. Allele origin: germline.

GeneDx
Classification: Likely benign. Last evaluated: 2016-03-04. Review status: criteria provided, single submitter. Criteria: GeneDx Variant Classification (06012015). Collection method: clinical testing. Allele origin: germline. Affected: yes.
Comment: This variant is considered likely benign or benign based on one or more of the following criteria: it is a conservative change, it occurs at a poorly conserved position in the protein, it is predicted to be benign by multiple in silico algorithms, and/or has population frequency not consistent with disease.